The following is an entry in ClinVar:

NM_016239.4(MYO15A):c.10201C>T (p.Arg3401Cys)

Gene: MYO15A (myosin XVA; plus strand). Cytogenetic location: 17p11.2.
Variant type: single nucleotide variant.
Coding change: c.10201C>T on transcript NM_016239.4 (MANE Select); coding-DNA position 10201, C replaced by T.
Protein change: p.Arg3401Cys; replaces arginine 3401 with cysteine.
Molecular consequence: missense variant.
Genome position (GRCh38, 1-based): chr17:18,171,756, C>T. VCF-style: chr17-18171756-C-T. GRCh37 (hg19) VCF-style: chr17-18075070-C-T.
Other names: short protein forms R3401C.
Identifiers: ClinVar variation 4981420 (VCV004981420.1).

ClinVar aggregate classification (germline): Uncertain significance (1 of 4 stars; one submission).

Conditions:
MYO15A-related disorder. Also called: MYO15A-related condition.

gnomAD v4.1: 42 of 1,610,322 alleles (0.0026%); highest among the groups gnomAD compares: Admixed American, 0.023%; no homozygotes.

Submission:

PreventionGenetics, part of Exact Sciences
Classification: Uncertain significance for MYO15A-related condition. Last evaluated: 2026-06-04. Review status: criteria provided, single submitter. Criteria: ACMG Guidelines, 2015. Collection method: clinical testing. Allele origin: germline.
Comment: The MYO15A c.10201C>T variant is predicted to result in the amino acid substitution p.Arg3401Cys. To our knowledge, this variant has not been reported in the literature. This variant is reported in 0.023% of alleles in individuals of Latino descent in gnomAD. Alternative variant at the same codon p.Arg3401His was observed in hearing loss cohort (Table S2, Usami et al. 2021. PubMed ID: 34599366) and along with likely pathogenic variant in an individual with mild to moderate sensorineural hearing loss (Table S3, Sloan-Heggen et al. 2016. PubMed ID: 26969326). At this time, the clinical significance of the p.Arg3401Cys variant is uncertain due to the absence of conclusive functional and genetic evidence.